The following is an entry in ClinVar:

NM_001291303.3(FAT4):c.13372T>C (p.Ser4458Pro)

Gene: FAT4 (FAT atypical cadherin 4; plus strand). Cytogenetic location: 4q28.1.
Variant type: single nucleotide variant.
Coding change: c.13372T>C on transcript NM_001291303.3 (MANE Select); coding-DNA position 13372, T replaced by C.
Protein change: p.Ser4458Pro; replaces serine 4458 with proline.
Molecular consequence: missense variant.
Genome position (GRCh38, 1-based): chr4:125,490,188, T>C. VCF-style: chr4-125490188-T-C. GRCh37 (hg19) VCF-style: chr4-126411343-T-C.
Other names: c.13369T>C, p.Ser4457Pro (NM_001291285.3); c.13366T>C, p.Ser4456Pro (NM_024582.6); short protein forms S4456P, S4457P, S4458P.
Identifiers: ClinVar variation 1715199 (VCV001715199.3), dbSNP rs2530081778, ClinGen allele CA358136262.

ClinVar aggregate classification (germline): Uncertain significance (1 of 4 stars; one submission).

Submission:

Labcorp Genetics (formerly Invitae), Labcorp
Classification: Uncertain significance. Last evaluated: 2023-02-20. Review status: criteria provided, single submitter. Criteria: Invitae Variant Classification Sherloc (09022015). Collection method: clinical testing. Allele origin: germline.
Comment: This sequence change replaces serine, which is neutral and polar, with proline, which is neutral and non-polar, at codon 4456 of the FAT4 protein (p.Ser4456Pro). This variant is not present in population databases (gnomAD no frequency). This variant has not been reported in the literature in individuals affected with FAT4-related conditions. ClinVar contains an entry for this variant (Variation ID: 1715199). Advanced modeling of protein sequence and biophysical properties (such as structural, functional, and spatial information, amino acid conservation, physicochemical variation, residue mobility, and thermodynamic stability) performed at Invitae indicates that this missense variant is not expected to disrupt FAT4 protein function. In summary, the available evidence is currently insufficient to determine the role of this variant in disease. Therefore, it has been classified as a Variant of Uncertain Significance.